The following is an entry in ClinVar:

NM_004204.5(PIGQ):c.700C>T (p.Leu234Phe)

Gene: PIGQ (phosphatidylinositol glycan anchor biosynthesis class Q; plus strand). Cytogenetic location: 16p13.3.
Variant type: single nucleotide variant.
Coding change: c.700C>T on transcript NM_004204.5 (MANE Select); coding-DNA position 700, C replaced by T.
Protein change: p.Leu234Phe; replaces leucine 234 with phenylalanine.
Molecular consequence: missense variant.
Genome position (GRCh38, 1-based): chr16:575,849, C>T. VCF-style: chr16-575849-C-T. GRCh37 (hg19) VCF-style: chr16-625849-C-T.
Other names: c.700C>T, p.Leu234Phe (NM_148920.4); short protein forms L234F.
Identifiers: ClinVar variation 2164022 (VCV002164022.4), dbSNP rs755271675, ClinGen allele CA7779954.

ClinVar aggregate classification (germline): Uncertain significance (1 of 4 stars; one submission).

Conditions:
Epilepsy. Also called: Seizure disorder. Identifiers: MedGen C0014544, MeSH D004827, MONDO:0005027.

Allele frequency attached by ClinVar (database versions not stated): ExAC 0.00004.
gnomAD v4.1: 4 of 1,566,280 alleles (0.00026%); highest among the groups gnomAD compares: African/African-American, 0.0014%; no homozygotes.

Submission:

Labcorp Genetics (formerly Invitae), Labcorp
Classification: Uncertain significance for Epilepsy. Last evaluated: 2023-10-03. Review status: criteria provided, single submitter. Criteria: Invitae Variant Classification Sherloc (09022015). Collection method: clinical testing. Allele origin: germline.
Comment: This sequence change replaces leucine, which is neutral and non-polar, with phenylalanine, which is neutral and non-polar, at codon 234 of the PIGQ protein (p.Leu234Phe). This variant is present in population databases (rs755271675, gnomAD 0.004%). This variant has not been reported in the literature in individuals affected with PIGQ-related conditions. ClinVar contains an entry for this variant (Variation ID: 2164022). Algorithms developed to predict the effect of missense changes on protein structure and function output the following: SIFT: "Not Available"; PolyPhen-2: "Benign"; Align-GVGD: "Not Available". The phenylalanine amino acid residue is found in multiple mammalian species, which suggests that this missense change does not adversely affect protein function. In summary, the available evidence is currently insufficient to determine the role of this variant in disease. Therefore, it has been classified as a Variant of Uncertain Significance.